The following is an entry in ClinVar:

NM_001039591.3(USP9X):c.5632G>A (p.Gly1878Arg)

Gene: USP9X (ubiquitin specific peptidase 9 X-linked; plus strand). Cytogenetic location: Xp11.4.
Variant type: single nucleotide variant.
Coding change: c.5632G>A on transcript NM_001039591.3 (MANE Select); coding-DNA position 5632, G replaced by A.
Protein change: p.Gly1878Arg; replaces glycine 1878 with arginine.
Molecular consequence: missense variant.
Genome position (GRCh38, 1-based): chrX:41,216,199, G>A. VCF-style: chrX-41216199-G-A. GRCh37 (hg19) VCF-style: chrX-41075452-G-A.
Other names: c.5632G>A, p.Gly1878Arg (NM_001039590.3); c.5647G>A, p.Gly1883Arg (NM_001410748.1, NM_001410749.1); short protein forms G1878R, G1883R.
Identifiers: ClinVar variation 2499130 (VCV002499130.28), dbSNP rs2519371254, ClinGen allele CA412792086.

ClinVar aggregate classification (germline): Likely pathogenic (1 of 4 stars; one submission).

Submission:

CeGaT Center for Human Genetics Tuebingen
Classification: Likely pathogenic. Last evaluated: 2023-10-01. Review status: criteria provided, single submitter. Criteria: CeGaT Center For Human Genetics Tuebingen Variant Classification Criteria Version 2. Collection method: clinical testing. Allele origin: germline. Affected: yes. Observed: 1 variant allele.
Comment: USP9X: PM1, PM2, PP3, PS2:Supporting